The following is an entry in ClinVar:

NM_005676.5(RBM10):c.1561G>A (p.Ala521Thr)

Gene: RBM10 (RNA binding motif protein 10; plus strand). Cytogenetic location: Xp11.3.
Variant type: single nucleotide variant.
Coding change: c.1561G>A on transcript NM_005676.5 (MANE Select); coding-DNA position 1561, G replaced by A.
Protein change: p.Ala521Thr; replaces alanine 521 with threonine.
Molecular consequence: missense variant.
Genome position (GRCh38, 1-based): chrX:47,181,632, G>A. VCF-style: chrX-47181632-G-A. GRCh37 (hg19) VCF-style: chrX-47041031-G-A.
Other names: c.1330G>A, p.Ala444Thr (NM_001204466.2); c.1558G>A, p.Ala520Thr (NM_001204467.2); c.1756G>A, p.Ala586Thr (NM_001204468.2); c.1327G>A, p.Ala443Thr (NM_152856.3); short protein forms A586T, A443T, A444T, A520T, A521T.
Identifiers: ClinVar variation 2741344 (VCV002741344.3), dbSNP rs1210515088, ClinGen allele CA412802500.

ClinVar aggregate classification (germline): Uncertain significance (1 of 4 stars; one submission).

Allele frequency attached by ClinVar (database versions not stated): gnomAD exomes below 0.00001; TOPMed 0.00003.
gnomAD v4.1: 1 of 1,206,391 alleles (0.000083%); highest among the groups gnomAD compares: African/African-American, 0.0017%; no homozygotes.

Submission:

Labcorp Genetics (formerly Invitae), Labcorp
Classification: Uncertain significance. Last evaluated: 2023-07-10. Review status: criteria provided, single submitter. Criteria: Invitae Variant Classification Sherloc (09022015). Collection method: clinical testing. Allele origin: germline.
Comment: In summary, the available evidence is currently insufficient to determine the role of this variant in disease. Therefore, it has been classified as a Variant of Uncertain Significance. Advanced modeling of protein sequence and biophysical properties (such as structural, functional, and spatial information, amino acid conservation, physicochemical variation, residue mobility, and thermodynamic stability) performed at Invitae indicates that this missense variant is not expected to disrupt RBM10 protein function. This variant has not been reported in the literature in individuals affected with RBM10-related conditions. This variant is not present in population databases (gnomAD no frequency). This sequence change replaces alanine, which is neutral and non-polar, with threonine, which is neutral and polar, at codon 521 of the RBM10 protein (p.Ala521Thr).